The following is an entry in ClinVar:

NM_001098511.3(KIF2A):c.865G>C (p.Val289Leu)

Gene: KIF2A (kinesin family member 2A; plus strand). Cytogenetic location: 5q12.1.
Variant type: single nucleotide variant.
Coding change: c.865G>C on transcript NM_001098511.3 (MANE Select); coding-DNA position 865, G replaced by C.
Protein change: p.Val289Leu; replaces valine 289 with leucine.
Molecular consequence: missense variant.
Genome position (GRCh38, 1-based): chr5:62,358,292, G>C. VCF-style: chr5-62358292-G-C. GRCh37 (hg19) VCF-style: chr5-61654119-G-C.
Other names: c.784G>C, p.Val262Leu (NM_001243952.2); c.808G>C, p.Val270Leu (NM_001243953.2); c.865G>C, p.Val289Leu (NM_004520.5); short protein forms V270L, V289L, V262L.
Identifiers: ClinVar variation 4716608 (VCV004716608.1).

ClinVar aggregate classification (germline): Uncertain significance (1 of 4 stars; one submission).

Submission:

Labcorp Genetics (formerly Invitae), Labcorp
Classification: Uncertain significance. Last evaluated: 2025-04-12. Review status: criteria provided, single submitter. Criteria: Invitae Variant Classification Sherloc (09022015). Collection method: clinical testing. Allele origin: germline.
Comment: This sequence change replaces valine, which is neutral and non-polar, with leucine, which is neutral and non-polar, at codon 289 of the KIF2A protein (p.Val289Leu). This variant is not present in population databases (gnomAD no frequency). This variant has not been reported in the literature in individuals affected with KIF2A-related conditions. An algorithm developed to predict the effect of missense changes on protein structure and function (PolyPhen-2) suggests that this variant is likely to be disruptive. In summary, the available evidence is currently insufficient to determine the role of this variant in disease. Therefore, it has been classified as a Variant of Uncertain Significance.